The following is an entry in ClinVar:

NM_024782.3(NHEJ1):c.700G>A (p.Gly234Ser)

Gene: NHEJ1 (non-homologous end joining factor 1; minus strand). Cytogenetic location: 2q35.
Variant type: single nucleotide variant.
Coding change: c.700G>A on transcript NM_024782.3 (MANE Select); coding-DNA position 700, G replaced by A.
Protein change: p.Gly234Ser; replaces glycine 234 with serine.
Molecular consequence: missense variant. On other transcripts: non-coding transcript variant (1).
Genome position (GRCh38, 1-based): chr2:219,078,095, C>T on the plus strand (G>A on the coding strand, the complement: NHEJ1 is on the minus strand). VCF-style: chr2-219078095-C-T. GRCh37 (hg19) VCF-style: chr2-219942817-C-T.
Other names: c.700G>A, p.Gly234Ser (NM_001377498.1, NM_001377499.1); short protein forms G234S.
Identifiers: ClinVar variation 536738 (VCV000536738.9), dbSNP rs191958428, ClinGen allele CA2116900.

ClinVar aggregate classification (germline): Uncertain significance (1 of 4 stars; one submission).

Conditions:
Cernunnos-XLF deficiency (IMD124). Also called: SCID, AUTOSOMAL RECESSIVE, T CELL-NEGATIVE, B CELL-NEGATIVE, NK CELL-POSITIVE, WITH MICROCEPHALY, GROWTH RETARDATION, AND SENSITIVITY TO IONIZING RADIATION; IMMUNODEFICIENCY 124, SEVERE COMBINED; NHEJ1 SYNDROME; Severe combined immunodeficiency with sensitivity to ionizing radiation due to NHEJ1 deficiency; SCID, autosomal recessive, T cell-negative, B cell-negative, NK cell-positive, and sensitivity to ionizing radiation due to NHEJ1 deficiency. Identifiers: Orphanet 169079, MedGen C1969799, MONDO:0012650, OMIM 611291.

Allele frequency attached by ClinVar (database versions not stated): gnomAD 0.00001 and 0.00002; gnomAD exomes 0.00003 and 0.00006; TOPMed 0.00003; ExAC 0.00005; 1000 Genomes Project 0.00040; 1000 Genomes Project 30x 0.00047.
gnomAD v4.1: 19 of 1,613,604 alleles (0.0012%); highest among the groups gnomAD compares: Admixed American, 0.032%; no homozygotes.

Submission:

Labcorp Genetics (formerly Invitae), Labcorp
Classification: Uncertain significance for Cernunnos-XLF deficiency. Last evaluated: 2024-12-16. Review status: criteria provided, single submitter. Criteria: Invitae Variant Classification Sherloc (09022015). Collection method: clinical testing. Allele origin: germline.
Comment: This sequence change replaces glycine, which is neutral and non-polar, with serine, which is neutral and polar, at codon 234 of the NHEJ1 protein (p.Gly234Ser). This variant is present in population databases (rs191958428, gnomAD 0.05%). This variant has not been reported in the literature in individuals affected with NHEJ1-related conditions. ClinVar contains an entry for this variant (Variation ID: 536738). Invitae Evidence Modeling of protein sequence and biophysical properties (such as structural, functional, and spatial information, amino acid conservation, physicochemical variation, residue mobility, and thermodynamic stability) indicates that this missense variant is not expected to disrupt NHEJ1 protein function with a negative predictive value of 80%. In summary, the available evidence is currently insufficient to determine the role of this variant in disease. Therefore, it has been classified as a Variant of Uncertain Significance.